The following is an entry in ClinVar:

ClinVar aggregate classification (germline): Uncertain significance (1 of 4 stars; one submission).

Submission:

Labcorp Genetics (formerly Invitae), Labcorp
Classification: Uncertain significance. Last evaluated: 2022-08-13. Review status: criteria provided, single submitter. Criteria: Invitae Variant Classification Sherloc (09022015). Collection method: clinical testing. Allele origin: germline.
Comment: This variant has not been reported in the literature in individuals affected with SMAD2-related conditions. Advanced modeling of protein sequence and biophysical properties (such as structural, functional, and spatial information, amino acid conservation, physicochemical variation, residue mobility, and thermodynamic stability) performed at Invitae indicates that this missense variant is expected to disrupt SMAD2 protein function. In summary, the available evidence is currently insufficient to determine the role of this variant in disease. Therefore, it has been classified as a Variant of Uncertain Significance. This sequence change replaces glycine, which is neutral and non-polar, with glutamic acid, which is acidic and polar, at codon 421 of the SMAD2 protein (p.Gly421Glu). This variant is not present in population databases (gnomAD no frequency).

NM_005901.6(SMAD2):c.1262G>A (p.Gly421Glu)

Gene: SMAD2 (SMAD family member 2; minus strand). Cytogenetic location: 18q21.1.
Variant type: single nucleotide variant.
Coding change: c.1262G>A on transcript NM_005901.6 (MANE Select); coding-DNA position 1262, G replaced by A.
Protein change: p.Gly421Glu; replaces glycine 421 with glutamic acid.
Molecular consequence: missense variant.
Genome position (GRCh38, 1-based): chr18:47,845,358, C>T on the plus strand (G>A on the coding strand, the complement: SMAD2 is on the minus strand). VCF-style: chr18-47845358-C-T. GRCh37 (hg19) VCF-style: chr18-45371729-C-T.
Other names: c.1262G>A, p.Gly421Glu (NM_001003652.4); c.1172G>A, p.Gly391Glu (NM_001135937.3); short protein forms G391E, G421E.
Identifiers: ClinVar variation 2023953 (VCV002023953.4), dbSNP rs2144287268, ClinGen allele CA402503445.